The following is an entry in ClinVar:

NM_004360.5(CDH1):c.387+6T>C

Gene: CDH1 (cadherin 1; plus strand). Cytogenetic location: 16q22.1.
Variant type: single nucleotide variant.
Coding change: c.387+6T>C on transcript NM_004360.5 (MANE Select); 6 bases into the intron after coding-DNA position 387, T replaced by C.
Molecular consequence: intron variant.
Genome position (GRCh38, 1-based): chr16:68,801,899, T>C. VCF-style: chr16-68801899-T-C. GRCh37 (hg19) VCF-style: chr16-68835802-T-C.
Other names: c.387+6T>C (LRG_301t1, NM_001317184.2); c.-1229+6T>C (NM_001317185.2); c.-1433+6T>C (NM_001317186.2).
Identifiers: ClinVar variation 387275 (VCV000387275.30), dbSNP rs764434962, ClinGen allele CA8129842.

ClinVar aggregate classification (germline): Likely benign. Review status: reviewed by expert panel (3 of 4 stars). 8 submissions from 8 submitters: Likely benign (1). 7 of the submissions do not count toward it. Last evaluated 2023-08-17.

Conditions:
CDH1-related disorder. Also called: CDH1-related condition.
Hereditary diffuse gastric adenocarcinoma (HDGC). Also called: DIFFUSE GASTRIC AND LOBULAR BREAST CANCER SYNDROME. Identifiers: Orphanet 26106, MedGen C1708349, MONDO:0007648, OMIM 137215.
CDH1-related diffuse gastric and lobular breast cancer syndrome. Also called: CDH1-related diffuse gastric and lobular breast cancer. Identifiers: MedGen CN311521, MONDO:0100488.
Hereditary cancer-predisposing syndrome. Also called: Neoplastic Syndromes, Hereditary; Hereditary neoplastic syndrome; Tumor predisposition; Hereditary Cancer Syndrome. Identifiers: Orphanet 140162, MedGen C0027672, MeSH D009386, MONDO:0015356.

Allele frequency attached by ClinVar (database versions not stated): TOPMed below 0.00001; ExAC 0.00001; gnomAD 0.00001; gnomAD exomes 0.00001 and 0.00002.
gnomAD v4.1: 6 of 1,611,036 alleles (0.00037%); highest among the groups gnomAD compares: Admixed American, 0.01%; no homozygotes.

Submissions (8):

Clingen Gastric Cancer Variant Curation Expert Panel
Classification: Likely benign for CDH1-related diffuse gastric and lobular breast cancer syndrome. Last evaluated: 2023-08-17. Review status: reviewed by expert panel. Criteria: ClinGen CDH1 ACMG Specifications V3.1. Collection method: curation. Allele origin: germline. Inheritance: Autosomal dominant inheritance.
Comment: c.387+6T>C is an intronic variant in the splice donor region of intron 3. This variant has an allele frequency of 0.0001 (5/34548 alleles) in the gnomAD v2.1 Latino/admixed American sub-population. This variant has been reported in at least 13 individuals without DGC, SRC tumours or LBC and whose families do not suggest HDGC (BS2; SCV000637825.4). This variant is predicted to have no impact on splicing by multiple in silico splice site predictors (BP4; SpliceAI, varSEAK, MaxEntScan). In summary, this variant meets criteria to be classified as likely benign based on ACMG/AMP criteria applied as specified by the CDH1 Variant Curation Expert Panel (Variant Interpretation Guidelines Version 3.1): BS2, BP4.

PreventionGenetics, part of Exact Sciences
Classification: Likely benign for CDH1-related condition. Last evaluated: 2026-02-12. Review status: criteria provided, single submitter. Criteria: ACMG Guidelines, 2015. Collection method: clinical testing. Allele origin: germline. Not counted in ClinVar's aggregate classification.
Comment: This variant is classified as likely benign based on ACMG/AMP sequence variant interpretation guidelines (Richards et al. 2015 PMID: 25741868, with internal and published modifications).

Labcorp Genetics (formerly Invitae), Labcorp
Classification: Likely benign for Hereditary diffuse gastric adenocarcinoma. Last evaluated: 2026-01-10. Review status: criteria provided, single submitter. Criteria: Invitae Variant Classification Sherloc (09022015). Collection method: clinical testing. Allele origin: germline. Not counted in ClinVar's aggregate classification.

CeGaT Center for Human Genetics Tuebingen
Classification: Likely benign. Last evaluated: 2025-07-01. Review status: criteria provided, single submitter. Criteria: CeGaT Center For Human Genetics Tuebingen Variant Classification Criteria Version 2. Collection method: clinical testing. Allele origin: germline. Affected: yes. Observed: 1 variant allele. Not counted in ClinVar's aggregate classification.
Comment: CDH1: BP4

Quest Diagnostics Nichols Institute San Juan Capistrano
Classification: Likely benign. Last evaluated: 2023-03-10. Review status: criteria provided, single submitter. Criteria: Quest Diagnostics criteria. Collection method: clinical testing. Allele origin: unknown. Not counted in ClinVar's aggregate classification.

Color Diagnostics, LLC DBA Color Health
Classification: Uncertain significance for Hereditary cancer-predisposing syndrome. Last evaluated: 2019-04-09. Review status: criteria provided, single submitter. Criteria: ACMG Guidelines, 2015. Collection method: clinical testing. Allele origin: germline. Not counted in ClinVar's aggregate classification.

GeneDx
Classification: Likely benign. Last evaluated: 2018-06-12. Review status: criteria provided, single submitter. Criteria: GeneDx Variant Classification Process June 2021. Collection method: clinical testing. Allele origin: germline. Affected: yes. Not counted in ClinVar's aggregate classification.

Women's Health and Genetics/Laboratory Corporation of America, LabCorp
Classification: Uncertain significance. Last evaluated: 2016-09-26. Review status: criteria provided, single submitter. Criteria: LabCorp Variant Classification Summary - May 2015. Collection method: clinical testing. Allele origin: germline. Not counted in ClinVar's aggregate classification.
Comment: Variant summary: The CDH1 c.387+6T>C variant involves the alteration of a non-conserved intronic nucleotide. One in silico tool predicts a benign outcome for this variant. 4/5 splice prediction tools predict no significant impact on normal splicing. ESEfinder predicts a gain of binding motif for splicing enhancer SC15. However, these predictions have yet to be confirmed by functional studies. This variant was found in 1/119366 control chromosomes, predominantly observed in the Latino subpopulation at a frequency of 0.000088 (1/11358). This frequency is about 3 times the estimated maximal expected allele frequency of a pathogenic CDH1 variant (0.0000283), suggesting this is likely a benign polymorphism found primarily in the populations of Latino origin. The variant of interest has not, to our knowledge, been reported in affected individuals via publications and/or reputable databases/clinical diagnostic laboratories; nor evaluated for functional impact by in vivo/vitro studies. Because of the absence of clinical information and the lack of functional studies, the variant is classified as a variant of uncertain significance (VUS)-possibly benign until additional information becomes available.